The following is an entry in ClinVar:

NC_000020.11:g.(?_18512225)_(18515736_?)del

Gene: SEC23B (SEC23 homolog B, COPII component; plus strand). Cytogenetic location: 20p11.23.
Variant type: Deletion.
Identifiers: ClinVar variation 642626 (VCV000642626.7).

ClinVar aggregate classification (germline): Pathogenic (1 of 4 stars; one submission).

Conditions:
Cowden syndrome 7 (CWS7). Identifiers: Orphanet 201, MedGen C4225179, MONDO:0014802, OMIM 616858.
Congenital dyserythropoietic anemia, type II (CDAN2). Also called: DYSERYTHROPOIETIC ANEMIA, HEMPAS TYPE. Identifiers: Orphanet 98873, MedGen C1306589, MONDO:0009134, OMIM 224100.

Submission:

Labcorp Genetics (formerly Invitae), Labcorp
Classification: Pathogenic for Congenital dyserythropoietic anemia, type II; Cowden syndrome 7. Last evaluated: 2021-08-12. Review status: criteria provided, single submitter. Criteria: Invitae Variant Classification Sherloc (09022015). Collection method: clinical testing. Allele origin: germline.
Comment: This variant is a gross deletion of the genomic region encompassing exon(s) 3-4 of the SEC23B gene. This deletion is out-of-frame, and is expected to create a premature termination codon and result in an absent or disrupted protein product. Loss-of-function variants in SEC23B are known to be pathogenic (PMID: 19561605, 25044164). A similar copy number variant has been observed in individuals with congenital dyserythropoietic anemia (PMID: 19561605). Algorithms developed to predict the effect of variants on protein structure and function are not available or were not evaluated for this variant. Experimental studies have shown that a similar copy number variant does not substantially affect SEC23B function (PMID: 19561605). For these reasons, this variant has been classified as Pathogenic.

Literature cited by the submitters: PubMed 19561605; PubMed 25044164.